The following is an entry in ClinVar:

ClinVar aggregate classification (germline): Uncertain significance (1 of 4 stars; one submission).

Conditions:
Hereditary cancer-predisposing syndrome. Also called: Neoplastic Syndromes, Hereditary; Tumor predisposition; Hereditary Cancer Syndrome; Hereditary neoplastic syndrome. Identifiers: Orphanet 140162, MedGen C0027672, MeSH D009386, MONDO:0015356.

Submission:

Ambry Genetics
Classification: Uncertain significance for Hereditary cancer-predisposing syndrome. Last evaluated: 2026-04-09. Review status: criteria provided, single submitter. Criteria: Ambry Variant Classification Scheme 2023. Collection method: clinical testing. Allele origin: germline.
Comment: The p.A565V variant (also known as c.1694C>T), located in coding exon 13 of the BAP1 gene, results from a C to T substitution at nucleotide position 1694. The alanine at codon 565 is replaced by valine, an amino acid with similar properties. This amino acid position is conserved. In addition, this alteration is predicted to be tolerated by in silico analysis. Based on the available evidence, the clinical significance of this variant remains unclear.

NM_004656.4(BAP1):c.1694C>T (p.Ala565Val)

Gene: BAP1 (BRCA1 associated deubiquitinase 1; minus strand). Cytogenetic location: 3p21.1.
Variant type: single nucleotide variant.
Coding change: c.1694C>T on transcript NM_004656.4 (MANE Select); coding-DNA position 1694, C replaced by T.
Protein change: p.Ala565Val; replaces alanine 565 with valine.
Molecular consequence: missense variant.
Genome position (GRCh38, 1-based): chr3:52,403,451, G>A on the plus strand (C>T on the coding strand, the complement: BAP1 is on the minus strand). VCF-style: chr3-52403451-G-A. GRCh37 (hg19) VCF-style: chr3-52437467-G-A.
Other names: c.1640C>T, p.Ala547Val (NM_001410772.1); short protein forms A547V, A565V.
Identifiers: ClinVar variation 4867351 (VCV004867351.1).